The following is an entry in ClinVar:

ClinVar aggregate classification (germline): Uncertain significance (1 of 4 stars; one submission).

Conditions:
Combined immunodeficiency due to MALT1 deficiency. Also called: Immunodeficiency 12. Identifiers: Orphanet 397964, MedGen C3809583, MONDO:0014197, OMIM 615468.

Allele frequency attached by ClinVar (database versions not stated): gnomAD 0.00001; gnomAD exomes 0.00002.
gnomAD v4.1: 24 of 1,218,372 alleles (0.002%); highest among the groups gnomAD compares: Non-Finnish European, 0.0022%; no homozygotes.

Submission:

Labcorp Genetics (formerly Invitae), Labcorp
Classification: Uncertain significance for Combined immunodeficiency due to MALT1 deficiency. Last evaluated: 2022-03-03. Review status: criteria provided, single submitter. Criteria: Invitae Variant Classification Sherloc (09022015). Collection method: clinical testing. Allele origin: germline.
Comment: In summary, the available evidence is currently insufficient to determine the role of this variant in disease. Therefore, it has been classified as a Variant of Uncertain Significance. Variants that disrupt the consensus splice site are a relatively common cause of aberrant splicing (PMID: 17576681, 9536098). Algorithms developed to predict the effect of sequence changes on RNA splicing suggest that this variant is not likely to affect RNA splicing. This variant has not been reported in the literature in individuals affected with MALT1-related conditions. This variant is not present in population databases (gnomAD no frequency). This sequence change falls in intron 1 of the MALT1 gene. It does not directly change the encoded amino acid sequence of the MALT1 protein. It affects a nucleotide within the consensus splice site.

Literature cited by the submitters: PubMed 17576681; PubMed 9536098.

NM_006785.4(MALT1):c.209+4A>G

Genes: MALT1 (MALT1 paracaspase; plus strand), MALT1-AS1 (MALT1 antisense RNA 1; minus strand), LOC130062586 (ATAC-STARR-seq lymphoblastoid silent region 9487; plus strand). Cytogenetic location: 18q21.32.
Variant type: single nucleotide variant.
Coding change: c.209+4A>G on transcript NM_006785.4 (MANE Select); 4 bases into the intron after coding-DNA position 209, A replaced by G.
Molecular consequence: intron variant. On other transcripts: non-coding transcript variant (1).
Genome position (GRCh38, 1-based): chr18:58,671,856, A>G. VCF-style: chr18-58671856-A-G. GRCh37 (hg19) VCF-style: chr18-56339088-A-G.
Other names: c.209+4A>G (NM_173844.3).
Identifiers: ClinVar variation 1411406 (VCV001411406.6), dbSNP rs1418604119, ClinGen allele CA504033316.